The following is an entry in ClinVar:

ClinVar aggregate classification (germline): Uncertain significance (1 of 4 stars; one submission).

gnomAD v4.1: 1 of 1,614,170 alleles (0.000062%); highest among the groups gnomAD compares: Non-Finnish European, 0.000085%; no homozygotes.

Submission:

Mayo Clinic Laboratories, Mayo Clinic
Classification: Uncertain significance. Last evaluated: 2023-10-20. Review status: criteria provided, single submitter. Criteria: ACMG Guidelines, 2015. Collection method: clinical testing. Allele origin: germline. Observed: 1 variant allele.
Comment: PM2_moderate, PVS1_moderate

NM_003632.3(CNTNAP1):c.1456+1G>A

Gene: CNTNAP1 (contactin associated protein 1; plus strand). Cytogenetic location: 17q21.2.
Variant type: single nucleotide variant.
Coding change: c.1456+1G>A on transcript NM_003632.3 (MANE Select); the canonical splice donor site of the intron after coding-DNA position 1456, G replaced by A.
Molecular consequence: splice donor variant.
Genome position (GRCh38, 1-based): chr17:42,688,612, G>A. VCF-style: chr17-42688612-G-A. GRCh37 (hg19) VCF-style: chr17-40840630-G-A.
Identifiers: ClinVar variation 3380487 (VCV003380487.1).